The following is an entry in ClinVar:

ClinVar aggregate classification (germline): Pathogenic. Review status: criteria provided, multiple submitters, no conflicts (2 of 4 stars). 3 submissions from 3 submitters: Pathogenic (2). 1 of the submissions does not count toward it. Last evaluated 2025-04-25.

Conditions:
VPS13B-related disorder. Also called: VPS13B-related condition.
Cohen syndrome (COH1). Also called: PEPPER SYNDROME; Cutis verticis gyrata, retinitis pigmentosa, and sensorineural deafness. Identifiers: Orphanet 193, MedGen C0265223, MONDO:0008999, OMIM 216550.

Submissions (3):

PreventionGenetics, part of Exact Sciences
Classification: Pathogenic for VPS13B-related condition. Last evaluated: 2025-04-25. Review status: criteria provided, single submitter. Criteria: ACMG Guidelines, 2015. Collection method: clinical testing. Allele origin: germline.
Comment: The VPS13B c.3666+2T>C variant is predicted to disrupt the GT donor site and interfere with normal splicing. This variant was reported in the compound heterozygous state along with a second pathogenic variant in an individual with Cohen syndrome (described as IVS24+2T>C, Parri et al. 2010. PubMed ID: 20461111). This variant has not been reported in a large population database (gnomAD), indicating this variant is rare. Variants that disrupt the consensus splice donor site in VPS13B are expected to be pathogenic. This variant is interpreted as pathogenic.

Institute of Human Genetics, Clinical Exome/Genome Diagnostics Group, University Hospital Bonn
Classification: Pathogenic for Cohen syndrome. Last evaluated: 2023-05-26. Review status: criteria provided, single submitter. Criteria: ACMG Guidelines, 2015. Collection method: clinical testing. Allele origin: germline. Affected: yes.

Juha Muilu Group; Institute for Molecular Medicine Finland (FIMM)
Classification: Likely pathogenic for Cohen syndrome. Review status: no assertion criteria provided. Collection method: not provided. Allele origin: unknown. Not counted in ClinVar's aggregate classification.
Comment: FinDis database variant: This variant was not found or characterized by our laboratory, data were collected from public sources: see reference
ClinVar note: Converted during submission from probable-pathogenic to Likely pathogenic.

NM_152564.5(VPS13B):c.3666+2T>C

Gene: VPS13B (vacuolar protein sorting 13 homolog B; plus strand). Cytogenetic location: 8q22.2.
Variant type: single nucleotide variant.
Coding change: c.3666+2T>C on transcript NM_152564.5 (MANE Select); the canonical splice donor site of the intron after coding-DNA position 3666, T replaced by C.
Molecular consequence: splice donor variant.
Genome position (GRCh38, 1-based): chr8:99,467,636, T>C. VCF-style: chr8-99467636-T-C. GRCh37 (hg19) VCF-style: chr8-100479864-T-C.
Other names: c.3666+2T>C (NM_017890.5, NM_152564.4).
Identifiers: ClinVar variation 56660 (VCV000056660.4), dbSNP rs386834082, ClinGen allele CA264070.
Genomic context (GRCh38, chr8:99,467,636, plus strand): 5'-TTGTTGTCTGTCTCCATGTTGACCTAGAGTCACTAGAGATAAAATGCTCTAATCCCCAGG[T>C]TGGTACATTTGATTTATGAAAGGAAATTTAAAGTAATGTGATTTAAAAGCAATTGTTATC-3'